The following is an entry in ClinVar:

ClinVar aggregate classification (germline): Benign/Likely benign. Review status: criteria provided, multiple submitters, no conflicts (2 of 4 stars). 3 submissions from 3 submitters: Benign (1); Likely benign (2). Last evaluated 2026-01-23.

Allele frequency attached by ClinVar (database versions not stated): ExAC 0.00176; 1000 Genomes Project 30x 0.00187; gnomAD exomes 0.00192 and 0.00277; 1000 Genomes Project 0.00200; gnomAD 0.00211; TOPMed 0.00223; ESP Exome Variant Server 0.00254.
gnomAD v4.1: 4,238 of 1,581,274 alleles (0.27%); highest among the groups gnomAD compares: Admixed American, 0.38%; 11 homozygotes.

Submissions (3):

Labcorp Genetics (formerly Invitae), Labcorp
Classification: Benign. Last evaluated: 2026-01-23. Review status: criteria provided, single submitter. Criteria: Invitae Variant Classification Sherloc (09022015). Collection method: clinical testing. Allele origin: germline.

CeGaT Center for Human Genetics Tuebingen
Classification: Likely benign. Last evaluated: 2025-12-01. Review status: criteria provided, single submitter. Criteria: CeGaT Center For Human Genetics Tuebingen Variant Classification Criteria Version 2. Collection method: clinical testing. Allele origin: germline. Affected: yes. Observed: 3 variant alleles.
Comment: POP1: BP4, BS2

Blueprint Genetics
Classification: Likely benign. Last evaluated: 2024-11-22. Review status: criteria provided, single submitter. Criteria: ACMG Guidelines, 2015. Collection method: clinical testing. Allele origin: germline.

NM_001145860.2(POP1):c.1362+7G>A

Gene: POP1 (POP1 ribonuclease P/MRP subunit; plus strand). Cytogenetic location: 8q22.2.
Variant type: single nucleotide variant.
Coding change: c.1362+7G>A on transcript NM_001145860.2 (MANE Select); 7 bases into the intron after coding-DNA position 1362, G replaced by A.
Molecular consequence: intron variant.
Genome position (GRCh38, 1-based): chr8:98,136,961, G>A. VCF-style: chr8-98136961-G-A. GRCh37 (hg19) VCF-style: chr8-99149189-G-A.
Other names: c.1362+7G>A (NM_001145861.2, NM_015029.3).
Identifiers: ClinVar variation 783025 (VCV000783025.34), dbSNP rs182805220, ClinGen allele CA4820553.